The following is an entry in ClinVar:

ClinVar aggregate classification (germline): Uncertain significance (1 of 4 stars; one submission).

Submission:

GeneDx
Classification: Uncertain significance. Last evaluated: 2023-09-13. Review status: criteria provided, single submitter. Criteria: GeneDx Variant Classification Process June 2021. Collection method: clinical testing. Allele origin: germline.
Comment: Not observed at significant frequency in large population cohorts (gnomAD); In silico analysis supports that this missense variant has a deleterious effect on protein structure/function; In addition, in silico analysis supports that this missense variant has a deleterious effect on on splicing; Has not been previously published as pathogenic or benign to our knowledge; Variants in candidate genes are classified as variants of uncertain significance in accordance with ACMG guidelines (Richards et al., 2015)

NM_002332.3(LRP1):c.1538G>T (p.Gly513Val)

Gene: LRP1 (LDL receptor related protein 1; plus strand). Cytogenetic location: 12q13.3.
Variant type: single nucleotide variant.
Coding change: c.1538G>T on transcript NM_002332.3 (MANE Select); coding-DNA position 1538, G replaced by T.
Protein change: p.Gly513Val; replaces glycine 513 with valine.
Molecular consequence: missense variant.
Genome position (GRCh38, 1-based): chr12:57,156,897, G>T. VCF-style: chr12-57156897-G-T. GRCh37 (hg19) VCF-style: chr12-57550680-G-T.
Other names: short protein forms G513V.
Identifiers: ClinVar variation 4976658 (VCV004976658.1).